The following is an entry in ClinVar:

ClinVar aggregate classification (germline): Uncertain significance (1 of 4 stars; one submission).

Conditions:
Cardiovascular phenotype. Identifiers: MedGen CN230736.

Allele frequency attached by ClinVar (database versions not stated): ExAC 0.00001; gnomAD 0.00001; gnomAD exomes 0.00001.
gnomAD v4.1: 16 of 1,613,660 alleles (0.00099%); highest among the groups gnomAD compares: South Asian, 0.018%; no homozygotes.

Submission:

Ambry Genetics
Classification: Uncertain significance for Cardiovascular phenotype. Last evaluated: 2024-02-04. Review status: criteria provided, single submitter. Criteria: Ambry Variant Classification Scheme 2023. Collection method: clinical testing. Allele origin: germline.
Comment: The p.G72D variant (also known as c.215G>A), located in coding exon 2 of the TBX20 gene, results from a G to A substitution at nucleotide position 215. The glycine at codon 72 is replaced by aspartic acid, an amino acid with similar properties. This amino acid position is not well conserved in available vertebrate species. In addition, this alteration is predicted to be tolerated by in silico analysis. Since supporting evidence is limited at this time, the clinical significance of this alteration remains unclear.

NM_001077653.2(TBX20):c.215G>A (p.Gly72Asp)

Gene: TBX20 (T-box transcription factor 20; minus strand). Cytogenetic location: 7p14.2.
Variant type: single nucleotide variant.
Coding change: c.215G>A on transcript NM_001077653.2 (MANE Select); coding-DNA position 215, G replaced by A.
Protein change: p.Gly72Asp; replaces glycine 72 with aspartic acid.
Molecular consequence: missense variant.
Genome position (GRCh38, 1-based): chr7:35,250,116, C>T on the plus strand (G>A on the coding strand, the complement: TBX20 is on the minus strand). VCF-style: chr7-35250116-C-T. GRCh37 (hg19) VCF-style: chr7-35289728-C-T.
Other names: c.215G>A, p.Gly72Asp (NM_001166220.1); short protein forms G72D.
Identifiers: ClinVar variation 1786875 (VCV001786875.2), dbSNP rs765324684, ClinGen allele CA4217555.